The following is an entry in ClinVar:

NM_000179.3(MSH6):c.149G>C (p.Trp50Ser)

Gene: MSH6 (mutS homolog 6; plus strand). Cytogenetic location: 2p16.3.
Variant type: single nucleotide variant.
Coding change: c.149G>C on transcript NM_000179.3 (MANE Select); coding-DNA position 149, G replaced by C.
Protein change: p.Trp50Ser; replaces tryptophan 50 with serine.
Molecular consequence: missense variant. On other transcripts: 5 prime UTR variant (1).
Genome position (GRCh38, 1-based): chr2:47,783,382, G>C. VCF-style: chr2-47783382-G-C. GRCh37 (hg19) VCF-style: chr2-48010521-G-C.
Other names: c.149G>C, p.Trp50Ser (NM_001281492.2); c.-588G>C (NM_001281493.2); short protein forms W50S.
Identifiers: ClinVar variation 1391170 (VCV001391170.8), dbSNP rs2103938825, ClinGen allele CA346734935.

ClinVar aggregate classification (germline): Uncertain significance. Review status: criteria provided, multiple submitters, no conflicts (2 of 4 stars). 2 submissions from 2 submitters: Uncertain significance (2). Last evaluated 2025-07-02.

Conditions:
Hereditary nonpolyposis colorectal neoplasms. Identifiers: MedGen C0009405, MeSH D003123.

Submissions (2):

Dasa
Classification: Uncertain significance. Last evaluated: 2025-07-02. Review status: criteria provided, single submitter. Criteria: DASA Assertion Criteria. Collection method: clinical testing. Allele origin: germline.
Comment: NM_000179.3(MSH6):c.149G>C (p.Trp50Ser) is a missense variant that results in the substitution of tryptophan with serine. This variant is absent from population databases. Computational prediction algorithms are consistent with a benign effect. The currently available literature and clinical evidence are not sufficient to establish a definitive association between this variant and the reported condition. Therefore, this variant is classified as a variant of uncertain significance.

Labcorp Genetics (formerly Invitae), Labcorp
Classification: Uncertain significance for Hereditary nonpolyposis colorectal neoplasms. Last evaluated: 2021-11-04. Review status: criteria provided, single submitter. Criteria: Invitae Variant Classification Sherloc (09022015). Collection method: clinical testing. Allele origin: germline.
Comment: This sequence change replaces tryptophan, which is neutral and slightly polar, with serine, which is neutral and polar, at codon 50 of the MSH6 protein (p.Trp50Ser). This variant is not present in population databases (gnomAD no frequency). Advanced modeling of protein sequence and biophysical properties (such as structural, functional, and spatial information, amino acid conservation, physicochemical variation, residue mobility, and thermodynamic stability) performed at Invitae indicates that this missense variant is not expected to disrupt MSH6 protein function. This variant has not been reported in the literature in individuals affected with MSH6-related conditions. In summary, the available evidence is currently insufficient to determine the role of this variant in disease. Therefore, it has been classified as a Variant of Uncertain Significance.